The following is an entry in ClinVar:

ClinVar aggregate classification (germline): Pathogenic (1 of 4 stars; one submission).

Allele frequency attached by ClinVar (database versions not stated): TOPMed below 0.00001; ExAC 0.00001.
gnomAD v4.1: 3 of 1,614,204 alleles (0.00019%); highest among the groups gnomAD compares: Non-Finnish European, 0.00025%; no homozygotes.

Submission:

Labcorp Genetics (formerly Invitae), Labcorp
Classification: Pathogenic. Last evaluated: 2023-09-26. Review status: criteria provided, single submitter. Criteria: Invitae Variant Classification Sherloc (09022015). Collection method: clinical testing. Allele origin: germline.
Comment: For these reasons, this variant has been classified as Pathogenic. This variant has not been reported in the literature in individuals affected with ITGB4-related conditions. This variant is present in population databases (rs757228029, gnomAD 0.0009%). This sequence change creates a premature translational stop signal (p.Tyr538*) in the ITGB4 gene. It is expected to result in an absent or disrupted protein product. Loss-of-function variants in ITGB4 are known to be pathogenic (PMID: 11328943, 16473856).

Literature cited by the submitters: PubMed 11328943; PubMed 16473856.

NM_000213.5(ITGB4):c.1614T>G (p.Tyr538Ter)

Gene: ITGB4 (integrin subunit beta 4; plus strand). Cytogenetic location: 17q25.1.
Variant type: single nucleotide variant.
Coding change: c.1614T>G on transcript NM_000213.5 (MANE Select); coding-DNA position 1614, T replaced by G.
Protein change: p.Tyr538Ter; replaces tyrosine 538 with a stop codon.
Molecular consequence: nonsense.
Genome position (GRCh38, 1-based): chr17:75,733,649, T>G. VCF-style: chr17-75733649-T-G. GRCh37 (hg19) VCF-style: chr17-73729730-T-G.
Other names: c.1614T>G, p.Tyr538Ter (NM_001005619.2, NM_001005731.3, NM_001321123.2); short protein forms Y538*.
Identifiers: ClinVar variation 2763423 (VCV002763423.3), dbSNP rs757228029, ClinGen allele CA8769067.
Genomic context (GRCh38, chr17:75,733,649, plus strand): 5'-CCAGTGCGGGCACTGTGTGTGCTACGGCGAAGGCCGCTACGAGGGTCAGTTCTGCGAGTA[T>G]GACAACTTCCAGTGTCCCCGCACTTCCGGGTTCCTCTGCAATGGTGAGCACAACAACTGC-3'